The following is an entry in ClinVar:

NM_004006.3(DMD):c.3806A>T (p.His1269Leu)

Gene: DMD (dystrophin; minus strand). Cytogenetic location: Xp21.1.
Variant type: single nucleotide variant.
Coding change: c.3806A>T on transcript NM_004006.3 (MANE Select); coding-DNA position 3806, A replaced by T.
Protein change: p.His1269Leu; replaces histidine 1269 with leucine.
Molecular consequence: missense variant.
Genome position (GRCh38, 1-based): chrX:32,441,295, T>A on the plus strand (A>T on the coding strand, the complement: DMD is on the minus strand). VCF-style: chrX-32441295-T-A. GRCh37 (hg19) VCF-style: chrX-32459412-T-A.
Other names: c.3782A>T, p.His1261Leu (NM_000109.4); c.3794A>T, p.His1265Leu (NM_004009.3); c.3437A>T, p.His1146Leu (NM_004010.3); short protein forms H1146L, H1261L, H1265L, H1269L.
Identifiers: ClinVar variation 1901859 (VCV001901859.5), dbSNP rs775892814, ClinGen allele CA10379183.

ClinVar aggregate classification (germline): Uncertain significance (1 of 4 stars; one submission).

Conditions:
Duchenne muscular dystrophy (DMD). Also called: MUSCULAR DYSTROPHY, PSEUDOHYPERTROPHIC PROGRESSIVE, DUCHENNE TYPE; Duchenne Muscular Dystrophy (DMD). Identifiers: Orphanet 98896, MedGen C0013264, MONDO:0010679, OMIM 310200.

gnomAD v4.1: 3 of 1,205,686 alleles (0.00025%); highest among the groups gnomAD compares: African/African-American, 0.0053%; no homozygotes.

Submission:

Labcorp Genetics (formerly Invitae), Labcorp
Classification: Uncertain significance for Duchenne muscular dystrophy. Last evaluated: 2024-04-29. Review status: criteria provided, single submitter. Criteria: Invitae Variant Classification Sherloc (09022015). Collection method: clinical testing. Allele origin: germline.
Comment: This sequence change replaces histidine, which is basic and polar, with leucine, which is neutral and non-polar, at codon 1269 of the DMD protein (p.His1269Leu). This variant is present in population databases (rs775892814, gnomAD 0.008%). This variant has not been reported in the literature in individuals affected with DMD-related conditions. ClinVar contains an entry for this variant (Variation ID: 1901859). Advanced modeling of protein sequence and biophysical properties (such as structural, functional, and spatial information, amino acid conservation, physicochemical variation, residue mobility, and thermodynamic stability) performed at Invitae indicates that this missense variant is not expected to disrupt DMD protein function with a negative predictive value of 95%. In summary, the available evidence is currently insufficient to determine the role of this variant in disease. Therefore, it has been classified as a Variant of Uncertain Significance.